The following is an entry in ClinVar:

ClinVar aggregate classification (germline): Uncertain significance (1 of 4 stars; one submission).

Conditions:
Brachyolmia-amelogenesis imperfecta syndrome. Also called: Tooth agenesis, selective, 6; Dental anomalies and short stature; PLATYSPONDYLY WITH AMELOGENESIS IMPERFECTA. Identifiers: Orphanet 2899, MedGen C1832594, MONDO:0011018, OMIM 601216. Disease mechanism: loss of function.

Allele frequency attached by ClinVar (database versions not stated): gnomAD exomes below 0.00001; ExAC 0.00001.
gnomAD v4.1: 2 of 1,611,488 alleles (0.00012%); highest among the groups gnomAD compares: Non-Finnish European, 0.00017%; no homozygotes.

Submission:

Labcorp Genetics (formerly Invitae), Labcorp
Classification: Uncertain significance for Brachyolmia-amelogenesis imperfecta syndrome. Last evaluated: 2023-09-04. Review status: criteria provided, single submitter. Criteria: Invitae Variant Classification Sherloc (09022015). Collection method: clinical testing. Allele origin: germline.
Comment: An algorithm developed to predict the effect of missense changes on protein structure and function (PolyPhen-2) suggests that this variant is likely to be disruptive. In summary, the available evidence is currently insufficient to determine the role of this variant in disease. Therefore, it has been classified as a Variant of Uncertain Significance. This variant has not been reported in the literature in individuals affected with LTBP3-related conditions. This variant is present in population databases (rs752651905, gnomAD 0.0009%). This sequence change replaces serine, which is neutral and polar, with alanine, which is neutral and non-polar, at codon 1189 of the LTBP3 protein (p.Ser1189Ala).

NM_001130144.3(LTBP3):c.3565T>G (p.Ser1189Ala)

Gene: LTBP3 (latent transforming growth factor beta binding protein 3; minus strand). Cytogenetic location: 11q13.1.
Variant type: single nucleotide variant.
Coding change: c.3565T>G on transcript NM_001130144.3 (MANE Select); coding-DNA position 3565, T replaced by G.
Protein change: p.Ser1189Ala; replaces serine 1189 with alanine.
Molecular consequence: missense variant.
Genome position (GRCh38, 1-based): chr11:65,539,611, A>C on the plus strand (T>G on the coding strand, the complement: LTBP3 is on the minus strand). VCF-style: chr11-65539611-A-C. GRCh37 (hg19) VCF-style: chr11-65307082-A-C.
Other names: c.3073T>G, p.Ser1025Ala (NM_001164266.1); c.3424T>G, p.Ser1142Ala (NM_021070.4); short protein forms S1189A, S1142A, S1025A.
Identifiers: ClinVar variation 2971620 (VCV002971620.3), dbSNP rs752651905, ClinGen allele CA6100241.